The following is an entry in ClinVar:

ClinVar aggregate classification (germline): Likely benign. Review status: criteria provided, multiple submitters, no conflicts (2 of 4 stars). 2 submissions from 2 submitters: Likely benign (2). Last evaluated 2026-01-19.

Conditions:
TMEM67-related disorder. Also called: TMEM67-related condition; TMEM67-related disorders. Identifiers: MedGen CN239423.
Joubert syndrome. Also called: Familial aplasia of the vermis; JOUBERT-BOLTSHAUSER SYNDROME. Identifiers: Orphanet 475, MedGen C5979921, MONDO:0018772.
Meckel-Gruber syndrome. Also called: Dysencephalia splachnocystica; DYSENCEPHALIA SPLANCHNOCYSTICA; GRUBER SYNDROME. Identifiers: Orphanet 564, MedGen C0265215, MONDO:0018921.

gnomAD v4.1: 2 of 1,612,698 alleles (0.00012%); highest among the groups gnomAD compares: Non-Finnish European, 0.00017%; no homozygotes.

Submissions (2):

Labcorp Genetics (formerly Invitae), Labcorp
Classification: Likely benign for Joubert syndrome; Meckel-Gruber syndrome. Last evaluated: 2026-01-19. Review status: criteria provided, single submitter. Criteria: Invitae Variant Classification Sherloc (09022015). Collection method: clinical testing. Allele origin: germline.

PreventionGenetics, part of Exact Sciences
Classification: Likely benign for TMEM67-related condition. Last evaluated: 2025-12-03. Review status: criteria provided, single submitter. Criteria: ACMG Guidelines, 2015. Collection method: clinical testing. Allele origin: germline.
Comment: This variant is classified as likely benign based on ACMG/AMP sequence variant interpretation guidelines (Richards et al. 2015 PMID: 25741868, with internal and published modifications).

NM_153704.6(TMEM67):c.1675-8A>C

Gene: TMEM67 (transmembrane protein 67; plus strand). Cytogenetic location: 8q22.1.
Variant type: single nucleotide variant.
Coding change: c.1675-8A>C on transcript NM_153704.6 (MANE Select); 8 bases into the intron before coding-DNA position 1675, A replaced by C.
Molecular consequence: intron variant.
Genome position (GRCh38, 1-based): chr8:93,795,401, A>C. VCF-style: chr8-93795401-A-C. GRCh37 (hg19) VCF-style: chr8-94807629-A-C.
Other names: c.1432-8A>C (NM_001142301.1); c.1675-8A>C (NM_153704.5).
Identifiers: ClinVar variation 4794034 (VCV004794034.2).